The following is an entry in ClinVar:

ClinVar aggregate classification (germline): Benign. Review status: criteria provided, multiple submitters, no conflicts (2 of 4 stars). 5 submissions from 4 submitters: Benign (5). Last evaluated 2021-07-01.

Conditions:
Usher syndrome type 1D (USH1D). Also called: USHER SYNDROME, TYPE ID. Identifiers: Orphanet 231169, Orphanet 886, MedGen C1832845, MONDO:0010984, OMIM 601067.
Autosomal recessive nonsyndromic hearing loss 12. Also called: DEAFNESS, AUTOSOMAL RECESSIVE 12. Identifiers: Orphanet 90636, MedGen C1832394, MONDO:0011067, OMIM 601386.

Allele frequency attached by ClinVar (database versions not stated): TOPMed 0.72407; 1000 Genomes Project 0.73123; 1000 Genomes Project 30x 0.73173; gnomAD 0.73277 and 0.73928; ESP Exome Variant Server 0.74355.
gnomAD v4.1: 1,072,378 of 1,601,118 alleles (67%); highest among the groups gnomAD compares: African/African-American, 93%; 363,819 homozygotes.

Submissions (5):

Genome-Nilou Lab
Classification: Benign for Usher syndrome type 1D. Last evaluated: 2021-07-01. Review status: criteria provided, single submitter. Criteria: ACMG Guidelines, 2015. Collection method: clinical testing. Allele origin: germline. Affected: no.

Genome-Nilou Lab
Classification: Benign for Autosomal recessive nonsyndromic hearing loss 12. Last evaluated: 2021-07-01. Review status: criteria provided, single submitter. Criteria: ACMG Guidelines, 2015. Collection method: clinical testing. Allele origin: germline. Affected: no.

GeneDx
Classification: Benign. Last evaluated: 2018-06-13. Review status: criteria provided, single submitter. Criteria: GeneDx Variant Classification (06012015). Collection method: clinical testing. Allele origin: germline. Affected: yes.
Comment: This variant is considered likely benign or benign based on one or more of the following criteria: it is a conservative change, it occurs at a poorly conserved position in the protein, it is predicted to be benign by multiple in silico algorithms, and/or has population frequency not consistent with disease.

Breakthrough Genomics
Classification: Benign. Review status: criteria provided, single submitter. Criteria: ACMG Guidelines, 2015. Collection method: not provided. Allele origin: germline. Inheritance: Autosomal recessive inheritance. Affected: yes.

PreventionGenetics, part of Exact Sciences
Classification: Benign. Review status: criteria provided, single submitter. Criteria: ACMG Guidelines, 2015. Collection method: clinical testing. Allele origin: germline.

NM_022124.6(CDH23):c.429+26A>G

Genes: CDH23 (cadherin related 23; plus strand), CDH23-AS1 (CDH23 antisense RNA 1; minus strand). Cytogenetic location: 10q22.1.
Variant type: single nucleotide variant.
Coding change: c.429+26A>G on transcript NM_022124.6 (MANE Select); 26 bases into the intron after coding-DNA position 429, A replaced by G.
Molecular consequence: intron variant.
Genome position (GRCh38, 1-based): chr10:71,511,238, A>G. VCF-style: chr10-71511238-A-G. GRCh37 (hg19) VCF-style: chr10-73270995-A-G.
Other names: c.429+26A>G (NM_001171930.2, NM_001171931.2, NM_052836.4 and 1 more transcripts).
Identifiers: ClinVar variation 261548 (VCV000261548.6), dbSNP rs3802718, ClinGen allele CA5543423.